The following is an entry in ClinVar:

ClinVar aggregate classification (germline): Likely pathogenic (1 of 4 stars; one submission).

Conditions:
Dyskeratosis congenita, autosomal dominant 6 (DKCA6). Identifiers: Orphanet 3322, MedGen C4225284, MONDO:0014690, OMIM 616553.

Submission:

First Genomix Gene Laboratory, Genetic Diagnostics Department
Classification: Likely pathogenic for Dyskeratosis congenita, autosomal dominant 6. Last evaluated: 2025-09-17. Review status: criteria provided, single submitter. Criteria: ACMG Guidelines, 2015. Collection method: clinical testing. Allele origin: germline. Inheritance: Autosomal recessive inheritance. Affected: no. Observed: 1 variant allele.

NM_001082486.2(ACD):c.18del (p.Arg6fs)

Gene: ACD (ACD shelterin complex subunit and telomerase recruitment factor; minus strand). Cytogenetic location: 16q22.1.
Variant type: Deletion.
Coding change: c.18del on transcript NM_001082486.2 (MANE Select); coding-DNA position 18, one base deleted (G; older notation c.18delG).
Protein change: p.Arg6fs; shifts the reading frame from arginine 6.
Molecular consequence: frameshift variant.
Genome position (GRCh38, 1-based): chr16:67,660,203, C deleted on the plus strand (G on the coding strand, the reverse complement: ACD is on the minus strand); the first of 2 consecutive C bases (chr16:67,660,203-67,660,204); deleting either gives the same sequence. VCF-style (leftmost placement, unchanged base first): chr16-67660202-GC-G. GRCh37 (hg19) VCF-style: chr16-67694105-GC-G.
Other names: c.18del, p.Arg6fs (NM_001410884.1, NM_022914.3); short protein forms R6fs.
Identifiers: ClinVar variation 4850360 (VCV004850360.1).